The following is an entry in ClinVar:

ClinVar aggregate classification (germline): Uncertain significance. Review status: criteria provided, multiple submitters, no conflicts (2 of 4 stars). 2 submissions from 2 submitters: Uncertain significance (2). Last evaluated 2022-08-07.

Conditions:
Short-rib thoracic dysplasia 14 with polydactyly (SRTD14). Identifiers: Orphanet 397715, MedGen C4225286, MONDO:0014688, OMIM 616546.
Joubert syndrome 23 (JBTS23). Identifiers: Orphanet 475, MedGen C4084822, MONDO:0014664, OMIM 616490.

Allele frequency attached by ClinVar (database versions not stated): gnomAD exomes below 0.00001; gnomAD 0.00001; TOPMed 0.00001.

Submissions (2):

Labcorp Genetics (formerly Invitae), Labcorp
Classification: Uncertain significance for Joubert syndrome 23; Short-rib thoracic dysplasia 14 with polydactyly. Last evaluated: 2022-08-07. Review status: criteria provided, single submitter. Criteria: Invitae Variant Classification Sherloc (09022015). Collection method: clinical testing. Allele origin: germline.
Comment: Algorithms developed to predict the effect of missense changes on protein structure and function output the following: SIFT: "Deleterious"; PolyPhen-2: "Benign"; Align-GVGD: "Class C0". The serine amino acid residue is found in multiple mammalian species, which suggests that this missense change does not adversely affect protein function. This sequence change replaces leucine, which is neutral and non-polar, with serine, which is neutral and polar, at codon 94 of the KIAA0586 protein (p.Leu94Ser). This variant is not present in population databases (gnomAD no frequency). This variant has not been reported in the literature in individuals affected with KIAA0586-related conditions. ClinVar contains an entry for this variant (Variation ID: 1691612). In summary, the available evidence is currently insufficient to determine the role of this variant in disease. Therefore, it has been classified as a Variant of Uncertain Significance.

GeneDx
Classification: Uncertain significance. Last evaluated: 2022-06-06. Review status: criteria provided, single submitter. Criteria: GeneDx Variant Classification Process June 2021. Collection method: clinical testing. Allele origin: germline. Affected: yes.
Comment: Not observed at significant frequency in large population cohorts (gnomAD); In silico analysis supports that this missense variant does not alter protein structure/function; Has not been previously published as pathogenic or benign to our knowledge

NM_001329943.3(KIAA0586):c.245T>C (p.Leu82Ser)

Gene: KIAA0586 (KIAA0586; plus strand). Cytogenetic location: 14q23.1.
Variant type: single nucleotide variant.
Coding change: c.245T>C on transcript NM_001329943.3 (MANE Select); coding-DNA position 245, T replaced by C.
Protein change: p.Leu82Ser; replaces leucine 82 with serine.
Molecular consequence: missense variant. On other transcripts: 5 prime UTR variant (5).
Genome position (GRCh38, 1-based): chr14:58,429,408, T>C. VCF-style: chr14-58429408-T-C. GRCh37 (hg19) VCF-style: chr14-58896126-T-C.
Other names: c.281T>C, p.Leu94Ser (NM_001244189.2); c.200T>C, p.Leu67Ser (NM_001244190.2); c.-11T>C (NM_001244191.2, NM_001244192.2, NM_001329945.2 and 2 more transcripts); c.245T>C, p.Leu82Ser (NM_001329944.2, NM_001329946.2, NM_001329947.2 and 1 more transcripts); short protein forms L67S, L82S, L94S.
Identifiers: ClinVar variation 1691612 (VCV001691612.8), dbSNP rs955530356, ClinGen allele CA261633190.